The following is an entry in ClinVar:

NM_001289808.2(CRYAB):c.34C>G (p.Arg12Gly)

Gene: CRYAB (crystallin alpha B; minus strand). Cytogenetic location: 11q23.1.
Variant type: single nucleotide variant.
Coding change: c.34C>G on transcript NM_001289808.2 (MANE Select); coding-DNA position 34, C replaced by G.
Protein change: p.Arg12Gly; replaces arginine 12 with glycine.
Molecular consequence: missense variant.
Genome position (GRCh38, 1-based): chr11:111,911,691, G>C on the plus strand (C>G on the coding strand, the complement: CRYAB is on the minus strand). VCF-style: chr11-111911691-G-C. GRCh37 (hg19) VCF-style: chr11-111782415-G-C.
Other names: c.34C>G, p.Arg12Gly (NM_001289807.1, NM_001368245.1, NM_001885.3); short protein forms R12G.
Identifiers: ClinVar variation 3221861 (VCV003221861.1), dbSNP rs375933774, ClinGen allele CA382601056.
Genomic context (GRCh38, chr11:111,911,691, plus strand): 5'-GGTGCTCTCCGAAGAACTGGTCAAAGAGGCGGCTGGGGGAGTGGAAAGGAAAGAAGGGGC[G>C]GCGGATCCAGGGGTGGTGGATGGCGATGTCCATGGTGGCTAGGTGAGTGTGAGGGGTCAG-3'
Protein context (NP_001276737.1, residues 2-22): DIAIHHPWIR[Arg12Gly]PFFPFHSPSR

ClinVar aggregate classification (germline): Uncertain significance (1 of 4 stars; one submission).

Conditions:
Cardiovascular phenotype. Identifiers: MedGen CN230736.

Submission:

Ambry Genetics
Classification: Uncertain significance for Cardiovascular phenotype. Last evaluated: 2023-09-30. Review status: criteria provided, single submitter. Criteria: Ambry Variant Classification Scheme 2023. Collection method: clinical testing. Allele origin: germline.
Comment: The p.R12G variant (also known as c.34C>G), located in coding exon 1 of the CRYAB gene, results from a C to G substitution at nucleotide position 34. The arginine at codon 12 is replaced by glycine, an amino acid with dissimilar properties. This amino acid position is conserved. In addition, this alteration is predicted to be deleterious by in silico analysis. Since supporting evidence is limited at this time, the clinical significance of this alteration remains unclear.